The following is an entry in ClinVar:

ClinVar aggregate classification (germline): Uncertain significance (1 of 4 stars; one submission).

Conditions:
Developmental delay and seizures with or without movement abnormalities. Identifiers: MedGen C4693376, MONDO:0044326, OMIM 617836.

Submission:

Genetics laboratory, Institute of Kidney Diseases & Research Centre Dr. H.L. Trivedi Institute Of Transplantation Sciences
Classification: Uncertain significance for Developmental delay and seizures with or without movement abnormalities. Last evaluated: 2026-02-18. Review status: criteria provided, single submitter. Criteria: ACMG Guidelines, 2015. Collection method: clinical testing. Allele origin: germline. Inheritance: Autosomal dominant inheritance. Affected: yes. Observed: 1 variant allele, 1 heterozygote.
Comment: The DHDDS c.920G>A (p.Arg306Gln) variant is classified as a Variant of Uncertain Significance (VUS) according to ACMG/AMP criteria. The variant is absent or extremely rare in population databases, supporting the PM2 criterion. However, in the absence of additional evidence supporting pathogenicity or benignity, the available evidence is insufficient to determine the clinical significance of this variant.

NM_205861.3(DHDDS):c.914G>A (p.Arg305Lys)

Gene: DHDDS (dehydrodolichyl diphosphate synthase subunit; plus strand). Cytogenetic location: 1p36.11.
Variant type: single nucleotide variant.
Coding change: c.914G>A on transcript NM_205861.3 (MANE Select); coding-DNA position 914, G replaced by A.
Protein change: p.Arg305Lys; replaces arginine 305 with lysine.
Molecular consequence: missense variant.
Genome position (GRCh38, 1-based): chr1:26,469,043, G>A. VCF-style: chr1-26469043-G-A. GRCh37 (hg19) VCF-style: chr1-26795534-G-A.
Other names: c.812G>A, p.Arg271Lys (NM_001243564.2); c.797G>A, p.Arg266Lys (NM_001243565.2); c.635G>A, p.Arg212Lys (NM_001319959.2); c.917G>A, p.Arg306Lys (NM_024887.4); short protein forms R212K, R266K, R271K, R305K, R306K.
Identifiers: ClinVar variation 4886930 (VCV004886930.1).